The following is an entry in ClinVar:

ClinVar aggregate classification (germline): Likely benign (1 of 4 stars; one submission).

Allele frequency attached by ClinVar (database versions not stated): gnomAD 0.00014; gnomAD exomes 0.00014.

Submission:

CeGaT Center for Human Genetics Tuebingen
Classification: Likely benign. Last evaluated: 2024-02-01. Review status: criteria provided, single submitter. Criteria: CeGaT Center For Human Genetics Tuebingen Variant Classification Criteria Version 2. Collection method: clinical testing. Allele origin: germline. Affected: yes. Observed: 1 variant allele.
Comment: MAGEC1: BP4, BS2

NM_005462.5(MAGEC1):c.652C>T (p.Pro218Ser)

Gene: MAGEC1 (MAGE family member C1; plus strand). Cytogenetic location: Xq27.2.
Variant type: single nucleotide variant.
Coding change: c.652C>T on transcript NM_005462.5 (MANE Select); coding-DNA position 652, C replaced by T.
Protein change: p.Pro218Ser; replaces proline 218 with serine.
Molecular consequence: missense variant.
Genome position (GRCh38, 1-based): chrX:141,906,056, C>T. VCF-style: chrX-141906056-C-T. GRCh37 (hg19) VCF-style: chrX-140993842-C-T.
Other names: short protein forms P218S.
Identifiers: ClinVar variation 3024854 (VCV003024854.22), dbSNP rs202080559, ClinGen allele CA10533216.